The following is an entry in ClinVar:

NM_002292.4(LAMB2):c.712+88G>A

Gene: LAMB2 (laminin subunit beta 2; minus strand). Cytogenetic location: 3p21.31.
Variant type: single nucleotide variant.
Coding change: c.712+88G>A on transcript NM_002292.4 (MANE Select); 88 bases into the intron after coding-DNA position 712, G replaced by A.
Molecular consequence: intron variant.
Genome position (GRCh38, 1-based): chr3:49,131,291, C>T on the plus strand (G>A on the coding strand, the complement: LAMB2 is on the minus strand). VCF-style: chr3-49131291-C-T. GRCh37 (hg19) VCF-style: chr3-49168724-C-T.
Other names: NC_000003.11:g.49168724C>T.
Identifiers: ClinVar variation 981940 (VCV000981940.3), dbSNP rs138285969, ClinGen allele CA74488830.

ClinVar aggregate classification (germline): drug response (0 of 4 stars; one submission).

Conditions:
Corticosteroids response. Also called: Corticosteroid response.

Allele frequency attached by ClinVar (database versions not stated): gnomAD 0.00971 and 0.01076; TOPMed 0.01031; 1000 Genomes Project 0.01198; 1000 Genomes Project 30x 0.01202; gnomAD exomes 0.01351.
gnomAD v4.1: 20,508 of 1,520,730 alleles (1.3%); highest among the groups gnomAD compares: Middle Eastern, 4.8%; 340 homozygotes.

Submissions (12):

Genetic Testing Lab, Ashok and Rita Patel Institute of Integrated Study and Research in Biotechnology and Allied Sciences
Classification: drug response for Corticosteroid response. Last evaluated: 2020-01-12. Review status: no assertion criteria provided. Collection method: research. Allele origin: somatic. Affected: yes. Observed: 27 variant alleles.
Comment: Depending upon response to standard corticosteroid therapy, patients were classified to be either Steroid resistant (SRNS) or steroid sensitive (SSNS). Patients in remission within 4 weeks of corticosteroid therapy were classified as steroid sensitive nephrotic syndrome (SSNS). Patients not in remission within 4 weeks of corticosteroid therapy were classified as Steroid resistant nephrotic syndrome (SRNS).

Dr. Peter K. Rogan Lab, Western University
No classification provided (evidence only). Condition: Lung cancer. Review status: no classification provided. Collection method: in vitro. Allele origin: not applicable. Functional consequence: retained intron. Not counted in ClinVar's aggregate classification.

Dr. Peter K. Rogan Lab, Western University
No classification provided (evidence only). Condition: Familial cancer of breast. Review status: no classification provided. Collection method: in vitro. Allele origin: not applicable. Functional consequence: retained intron. Not counted in ClinVar's aggregate classification.

Dr. Peter K. Rogan Lab, Western University
No classification provided (evidence only). Condition: Familial cancer of breast. Review status: no classification provided. Collection method: in vitro. Allele origin: not applicable. Functional consequence: retained intron. Not counted in ClinVar's aggregate classification.

Dr. Peter K. Rogan Lab, Western University
No classification provided (evidence only). Condition: Acute myeloid leukemia. Review status: no classification provided. Collection method: in vitro. Allele origin: not applicable. Functional consequence: retained intron. Not counted in ClinVar's aggregate classification.

Dr. Peter K. Rogan Lab, Western University
No classification provided (evidence only). Condition: Acute myeloid leukemia. Review status: no classification provided. Collection method: in vitro. Allele origin: not applicable. Functional consequence: retained intron. Not counted in ClinVar's aggregate classification.

Dr. Peter K. Rogan Lab, Western University
No classification provided (evidence only). Condition: Cervical cancer. Review status: no classification provided. Collection method: in vitro. Allele origin: not applicable. Functional consequence: retained intron. Not counted in ClinVar's aggregate classification.

Dr. Peter K. Rogan Lab, Western University
No classification provided (evidence only). Condition: Ovarian serous cystadenocarcinoma. Review status: no classification provided. Collection method: in vitro. Allele origin: not applicable. Functional consequence: retained intron. Not counted in ClinVar's aggregate classification.

Dr. Peter K. Rogan Lab, Western University
No classification provided (evidence only). Condition: Ovarian serous cystadenocarcinoma. Review status: no classification provided. Collection method: in vitro. Allele origin: not applicable. Functional consequence: retained intron. Not counted in ClinVar's aggregate classification.

Dr. Peter K. Rogan Lab, Western University
No classification provided (evidence only). Condition: Malignant tumor of esophagus. Review status: no classification provided. Collection method: in vitro. Allele origin: not applicable. Functional consequence: retained intron. Not counted in ClinVar's aggregate classification.

Dr. Peter K. Rogan Lab, Western University
No classification provided (evidence only). Condition: Malignant tumor of esophagus. Review status: no classification provided. Collection method: in vitro. Allele origin: not applicable. Functional consequence: retained intron. Not counted in ClinVar's aggregate classification.

Dr. Peter K. Rogan Lab, Western University
No classification provided (evidence only). Condition: Malignant tumor of esophagus. Review status: no classification provided. Collection method: in vitro. Allele origin: not applicable. Functional consequence: retained intron. Not counted in ClinVar's aggregate classification.